The following is an entry in ClinVar:

ClinVar aggregate classification (germline): Pathogenic/Likely pathogenic. Review status: criteria provided, multiple submitters, no conflicts (2 of 4 stars). 2 submissions from 2 submitters: Pathogenic (1); Likely pathogenic (1). Last evaluated 2025-10-21.

Conditions:
Hereditary cancer-predisposing syndrome. Also called: Hereditary neoplastic syndrome; Hereditary Cancer Syndrome; Neoplastic Syndromes, Hereditary; Tumor predisposition. Identifiers: Orphanet 140162, MedGen C0027672, MeSH D009386, MONDO:0015356.
Lynch syndrome 5 (LYNCH5). Also called: Hereditary non-polyposis colorectal cancer, type 5; Colorectal cancer, hereditary nonpolyposis, type 5. Identifiers: Orphanet 144, MedGen C1833477, MONDO:0013710, OMIM 614350. Disease mechanism: loss of function.

Submissions (2):

Myriad Genetics, Inc.
Classification: Pathogenic for Lynch syndrome 5. Last evaluated: 2025-10-21. Review status: criteria provided, single submitter. Criteria: Myriad Autosomal Dominant, Autosomal Recessive and X-Linked Classification Criteria (2023). Collection method: clinical testing. Allele origin: unknown.
Comment: This variant is considered pathogenic. This variant creates a frameshift predicted to result in premature protein truncation.

Ambry Genetics
Classification: Likely pathogenic for Hereditary cancer-predisposing syndrome. Last evaluated: 2023-04-25. Review status: criteria provided, single submitter. Criteria: Ambry Variant Classification Scheme 2023. Collection method: clinical testing. Allele origin: germline.
Comment: The c.3948_3953delACATAGinsCC variant, located in coding exon 9 of the MSH6 gene, results from the deletion of 6 nucleotides and insertion of two nucleotides causing a translational frameshift with a predicted alternate stop codon (p.H1317Qfs*9). This alteration occurs at the 3' terminus of theMSH6 gene, is not expected to trigger nonsense-mediated mRNA decay, and only impacts the last 44 amino acids (3.2%) of the protein. However, premature stop codons are typically deleterious in nature and the impacted region is critical for protein function (Ambry internal data). This variant is considered to be rare based on population cohorts in the Genome Aggregation Database (gnomAD). Based on the majority of available evidence to date, this variant is likely to be pathogenic.

NM_000179.3(MSH6):c.3948_3953delinsCC (p.His1317fs)

Gene: MSH6 (mutS homolog 6; plus strand). Cytogenetic location: 2p16.3.
Variant type: Indel.
Coding change: c.3948_3953delinsCC on transcript NM_000179.3 (MANE Select); coding-DNA positions 3948 to 3953, ACATAG replaced by CC.
Protein change: p.His1317fs; shifts the reading frame from histidine 1317.
Molecular consequence: frameshift variant. On other transcripts: non-coding transcript variant (5), intron variant (1).
Genome position (GRCh38, 1-based): chr2:47,806,598-47,806,603, ACATAG replaced by CC. VCF-style: chr2-47806598-ACATAG-CC. GRCh37 (hg19) VCF-style: chr2-48033737-ACATAG-CC.
Other names: c.3558_3563delinsCC, p.His1187fs (NM_001281492.2); c.3042_3047delinsCC, p.His1015fs (NM_001281493.2, NM_001281494.2, NM_001406811.1 and 6 more transcripts); c.4044_4049delinsCC, p.His1349fs (NM_001406795.1); c.3948_3953delinsCC, p.His1317fs (NM_001406796.1, NM_001406808.1, NM_001406809.1); c.3651_3656delinsCC, p.His1218fs (NM_001406797.1, NM_001406801.1, NM_001406805.1 and 10 more transcripts); c.3774_3779delinsCC, p.His1259fs (NM_001406798.1); c.3423_3428delinsCC, p.His1142fs (NM_001406799.1, NM_001406806.1, NM_001406807.1); c.3935_3940delinsCC, p.Asp1312fs (NM_001406800.1); and 9 more; short protein forms H1029fs, H1187fs, H244fs, H266fs, D1312fs, H1218fs, H1261fs, H632fs.
Identifiers: ClinVar variation 2567461 (VCV002567461.3), dbSNP rs2530873871, ClinGen allele CA2580611334.